The following is an entry in ClinVar:

NM_001256627.2(BRSK2):c.*238dup

Gene: BRSK2 (BR serine/threonine kinase 2; plus strand). Cytogenetic location: 11p15.5.
Variant type: Duplication.
Coding change: c.*238dup on transcript NM_001256627.2 (MANE Select); 238 bases downstream of the stop codon, one base duplicated (T; older notation c.*238dupT).
Molecular consequence: 3 prime UTR variant. On other transcripts: intron variant (3).
Genome position (GRCh38, 1-based): chr11:1,460,961, T duplicated. VCF-style (leftmost placement, unchanged base first): chr11-1460960-C-CT. GRCh37 (hg19) VCF-style: chr11-1482190-C-CT.
Other names: c.*238dup (NM_001256630.1); c.*10-9dup (NM_001256629.2, NM_001282218.2); c.1988-9dup (NM_003957.4).
Identifiers: ClinVar variation 3034131 (VCV003034131.2), dbSNP rs539778964, ClinGen allele CA5811553.

ClinVar aggregate classification (germline): Likely benign (0 of 4 stars; one submission).

Conditions:
BRSK2-related disorder. Also called: BRSK2-related condition; BRSK2-Related Disorders.

Allele frequency attached by ClinVar (database versions not stated): gnomAD exomes 0.00015; ExAC 0.00060; gnomAD 0.00153; ESP Exome Variant Server 0.00168; TOPMed 0.00182; 1000 Genomes Project 0.00260; 1000 Genomes Project 30x 0.00265.

Submission:

PreventionGenetics, part of Exact Sciences
Classification: Likely benign for BRSK2-related condition. Last evaluated: 2019-03-25. Review status: no assertion criteria provided. Collection method: clinical testing. Allele origin: germline.
Comment: This variant is classified as likely benign based on ACMG/AMP sequence variant interpretation guidelines (Richards et al. 2015 PMID: 25741868, with internal and published modifications).